The following is an entry in ClinVar:

NM_004064.5(CDKN1B):c.536del (p.Pro179fs)

Gene: CDKN1B (cyclin dependent kinase inhibitor 1B; plus strand). Cytogenetic location: 12p13.1.
Variant type: Deletion.
Coding change: c.536del on transcript NM_004064.5 (MANE Select); coding-DNA position 536, one base deleted (C; older notation c.536delC).
Protein change: p.Pro179fs; shifts the reading frame from proline 179.
Molecular consequence: frameshift variant.
Genome position (GRCh38, 1-based): chr12:12,718,885, C deleted; the last of 4 consecutive C bases (chr12:12,718,882-12,718,885); deleting any one gives the same sequence. VCF-style (leftmost placement, unchanged base first): chr12-12718881-TC-T. GRCh37 (hg19) VCF-style: chr12-12871815-TC-T.
Other names: c.536delC (NM_004064.3); short protein forms P179fs.
Identifiers: ClinVar variation 1931403 (VCV001931403.6), dbSNP rs2497407584, ClinGen allele CA2580085220.

ClinVar aggregate classification (germline): Conflicting classifications of pathogenicity. Review status: criteria provided, conflicting classifications (1 of 4 stars). 2 submissions from 2 submitters: Likely pathogenic (1); Uncertain significance (1). Last evaluated 2025-06-26.

Conditions:
Hereditary cancer-predisposing syndrome. Also called: Neoplastic Syndromes, Hereditary; Hereditary neoplastic syndrome; Tumor predisposition; Hereditary Cancer Syndrome. Identifiers: Orphanet 140162, MedGen C0027672, MeSH D009386, MONDO:0015356.
Multiple endocrine neoplasia type 4. Also called: MULTIPLE ENDOCRINE NEOPLASIA, TYPE IV. Identifiers: Orphanet 276152, MedGen C1970712, MONDO:0012552, OMIM 610755.

Submissions (2):

Ambry Genetics
Classification: Likely pathogenic for Hereditary cancer-predisposing syndrome. Last evaluated: 2025-06-26. Review status: criteria provided, single submitter. Criteria: Ambry Variant Classification Scheme 2023. Collection method: clinical testing. Allele origin: germline.
Comment: The c.536delC variant, located in coding exon 2 of the CDKN1B gene, results from a deletion of one nucleotide at nucleotide position 536, causing a translational frameshift with a predicted alternate stop codon (p.P179Qfs*46). This alteration occurs at the 3' terminus of theCDKN1B gene, is not expected to trigger nonsense-mediated mRNAdecay and results in the elongation of the protein by 25 amino acids. This frameshift impacts the last 10% of the native protein. However, frameshifts are typically deleterious in nature and a significant portion of the protein is affected (Ambry internal data). This variant was reported in individual(s) with features consistent with CDKN1B-related multiple endocrine neoplasia (Merc&egrave; F et al. Fam Cancer, 2025 Feb;24:24). This variant is considered to be rare based on population cohorts in the Genome Aggregation Database (gnomAD). Based on the majority of available evidence to date, this variant is likely to be pathogenic.

Labcorp Genetics (formerly Invitae), Labcorp
Classification: Uncertain significance for Multiple endocrine neoplasia type 4. Last evaluated: 2024-06-21. Review status: criteria provided, single submitter. Criteria: Invitae Variant Classification Sherloc (09022015). Collection method: clinical testing. Allele origin: germline.
Comment: This sequence change results in a frameshift in the CDKN1B gene (p.Pro179Glnfs*46). While this is not anticipated to result in nonsense mediated decay, it is expected to disrupt the last 20 amino acid(s) of the CDKN1B protein and extend the protein by 25 additional amino acid residues. This variant is not present in population databases (gnomAD no frequency). This variant has not been reported in the literature in individuals affected with CDKN1B-related conditions. ClinVar contains an entry for this variant (Variation ID: 1931403). Experimental studies and prediction algorithms are not available or were not evaluated, and the functional significance of this variant is currently unknown. In summary, the available evidence is currently insufficient to determine the role of this variant in disease. Therefore, it has been classified as a Variant of Uncertain Significance.

Literature cited by the submitters: PubMed 40009226 (cited by Ambry Genetics).